The following is an entry in ClinVar:

NM_032756.4(HPDL):c.727C>T (p.Gln243Ter)

Gene: HPDL (4-hydroxyphenylpyruvate dioxygenase like; plus strand). Cytogenetic location: 1p34.1.
Variant type: single nucleotide variant.
Coding change: c.727C>T on transcript NM_032756.4 (MANE Select); coding-DNA position 727, C replaced by T.
Protein change: p.Gln243Ter; replaces glutamine 243 with a stop codon.
Molecular consequence: nonsense.
Genome position (GRCh38, 1-based): chr1:45,327,875, C>T. VCF-style: chr1-45327875-C-T. GRCh37 (hg19) VCF-style: chr1-45793547-C-T.
Other names: short protein forms Q243*.
Identifiers: ClinVar variation 4537461 (VCV004537461.1).

ClinVar aggregate classification (germline): Likely pathogenic (1 of 4 stars; one submission).

Conditions:
Spastic paraplegia 83, autosomal recessive. Identifiers: Orphanet 631076, MedGen C5436637, MONDO:0033614, OMIM 619027.

Submission:

Genetic Foundation of Khorasan Razavi (GFKR)
Classification: Likely pathogenic for Spastic paraplegia 83, autosomal recessive. Review status: criteria provided, single submitter. Criteria: ACMG Guidelines, 2015. Collection method: clinical testing. Allele origin: inherited. Affected: yes. Observed: 1 homozygote.
Comment: This stop-gain variant(p.Gln243*) is expected to result in nonsense-mediated decay or a severely truncated protein. Loss of function is a well-established disease mechanism for this gene, supporting pathogenicity. The variant is absent from population databases.